The following is an entry in ClinVar:

NM_001184900.3(CARD8):c.415C>T (p.Gln139Ter)

Gene: CARD8 (caspase recruitment domain family member 8; minus strand). Cytogenetic location: 19q13.33.
Variant type: single nucleotide variant.
Coding change: c.415C>T on transcript NM_001184900.3 (MANE Select); coding-DNA position 415, C replaced by T.
Protein change: p.Gln139Ter; replaces glutamine 139 with a stop codon.
Molecular consequence: nonsense. On other transcripts: non-coding transcript variant (4).
Genome position (GRCh38, 1-based): chr19:48,231,787, G>A on the plus strand (C>T on the coding strand, the complement: CARD8 is on the minus strand). VCF-style: chr19-48231787-G-A. GRCh37 (hg19) VCF-style: chr19-48735044-G-A.
Other names: c.265C>T, p.Gln89Ter (NM_001184901.1, NM_001351783.2, NM_001351788.2 and 2 more transcripts); c.415C>T, p.Gln139Ter (NM_001184902.2, NM_001184903.1, NM_001351782.2); c.100C>T, p.Gln34Ter (NM_001351784.2, NM_001351787.2, NM_001351791.2 and 2 more transcripts); c.79C>T, p.Gln27Ter (NM_001351786.2); c.172C>T, p.Gln58Ter (NM_001351790.2); short protein forms Q89*, Q139*, Q27*, Q34*, Q58*.
Identifiers: ClinVar variation 1915505 (VCV001915505.5), dbSNP rs762033747, ClinGen allele CA9548020.

ClinVar aggregate classification (germline): Uncertain significance (1 of 4 stars; one submission).

Allele frequency attached by ClinVar (database versions not stated): ExAC 0.00002; gnomAD 0.00002; gnomAD exomes 0.00003; TOPMed 0.00004.
gnomAD v4.1: 44 of 1,613,736 alleles (0.0027%); highest among the groups gnomAD compares: Non-Finnish European, 0.0036%; no homozygotes.

Submission:

Labcorp Genetics (formerly Invitae), Labcorp
Classification: Uncertain significance. Last evaluated: 2022-07-04. Review status: criteria provided, single submitter. Criteria: Invitae Variant Classification Sherloc (09022015). Collection method: clinical testing. Allele origin: germline.
Comment: This sequence change creates a premature translational stop signal (p.Gln89*) in the CARD8 gene. It is expected to result in an absent or disrupted protein product. However, the current clinical and genetic evidence is not sufficient to establish whether loss-of-function variants in CARD8 cause disease. This variant is present in population databases (rs762033747, gnomAD 0.004%). This variant has not been reported in the literature in individuals affected with CARD8-related conditions. Algorithms developed to predict the effect of sequence changes on RNA splicing suggest that this variant may create or strengthen a splice site. In summary, the available evidence is currently insufficient to determine the role of this variant in disease. Therefore, it has been classified as a Variant of Uncertain Significance.